The following is an entry in ClinVar:

ClinVar aggregate classification (germline): Uncertain significance (1 of 4 stars; one submission).

gnomAD v4.1: 1 of 1,614,162 alleles (0.000062%); highest among the groups gnomAD compares: Admixed American, 0.0017%; no homozygotes.

Submission:

Ambry Genetics
Classification: Uncertain significance. Last evaluated: 2026-07-20. Review status: criteria provided, single submitter. Criteria: Ambry Variant Classification Scheme 2023. Collection method: clinical testing. Allele origin: germline.
Comment: The c.344G>T (p.R115L) alteration is located in exon 5 (coding exon 4) of the FAU gene. This alteration results from a G to T substitution at nucleotide position 344, causing the arginine (R) at amino acid position 115 to be replaced by a leucine (L). Based on data from gnomAD, the T allele has an overall frequency of <0.001% (1/251486) total alleles studied. The highest observed frequency was 0.003% (1/34590) of Latino alleles. Based on insufficient or conflicting evidence, the clinical significance of this alteration remains unclear.

NM_001997.5(FAU):c.344G>T (p.Arg115Leu)

Gene: FAU (FAU ubiquitin like and ribosomal protein S30 fusion; minus strand). Cytogenetic location: 11q13.1.
Variant type: single nucleotide variant.
Coding change: c.344G>T on transcript NM_001997.5 (MANE Select); coding-DNA position 344, G replaced by T.
Protein change: p.Arg115Leu; replaces arginine 115 with leucine.
Molecular consequence: missense variant.
Genome position (GRCh38, 1-based): chr11:65,120,739, C>A on the plus strand (G>T on the coding strand, the complement: FAU is on the minus strand). VCF-style: chr11-65120739-C-A. GRCh37 (hg19) VCF-style: chr11-64888211-C-A.
Other names: short protein forms R115L.
Identifiers: ClinVar variation 5021563 (VCV005021563.1).